The following is an entry in ClinVar:

NM_020779.4(WDR35):c.1220T>C (p.Ile407Thr)

Gene: WDR35 (WD repeat domain 35; minus strand). Cytogenetic location: 2p24.1.
Variant type: single nucleotide variant.
Coding change: c.1220T>C on transcript NM_020779.4 (MANE Select); coding-DNA position 1220, T replaced by C.
Protein change: p.Ile407Thr; replaces isoleucine 407 with threonine.
Molecular consequence: missense variant.
Genome position (GRCh38, 1-based): chr2:19,960,589, A>G on the plus strand (T>C on the coding strand, the complement: WDR35 is on the minus strand). VCF-style: chr2-19960589-A-G. GRCh37 (hg19) VCF-style: chr2-20160350-A-G.
Other names: c.1253T>C, p.Ile418Thr (NM_001006657.2); short protein forms I407T, I418T.
Identifiers: ClinVar variation 1062534 (VCV001062534.9), dbSNP rs780584500, ClinGen allele CA1543295.

ClinVar aggregate classification (germline): Uncertain significance (1 of 4 stars; one submission).

Conditions:
Short-rib thoracic dysplasia 7 with or without polydactyly (SRTD7). Also called: Short rib polydactyly syndrome 5; SHORT-RIB THORACIC DYSPLASIA 7 WITH POLYDACTYLY. Identifiers: Orphanet 498497, Orphanet 93271, MedGen C3279792, MONDO:0013569, OMIM 614091.
Cranioectodermal dysplasia 2 (CED2). Identifiers: Orphanet 1515, MedGen C3150874, MONDO:0013323, OMIM 613610.

Allele frequency attached by ClinVar (database versions not stated): TOPMed below 0.00001; gnomAD exomes 0.00001; ExAC 0.00002.
gnomAD v4.1: 3 of 1,609,248 alleles (0.00019%); highest among the groups gnomAD compares: Admixed American, 0.005%; no homozygotes.

Submission:

Labcorp Genetics (formerly Invitae), Labcorp
Classification: Uncertain significance for Cranioectodermal dysplasia 2; Short-rib thoracic dysplasia 7 with or without polydactyly. Last evaluated: 2021-02-19. Review status: criteria provided, single submitter. Criteria: Invitae Variant Classification Sherloc (09022015). Collection method: clinical testing. Allele origin: germline.
Comment: Algorithms developed to predict the effect of missense changes on protein structure and function (SIFT, PolyPhen-2, Align-GVGD) all suggest that this variant is likely to be disruptive, but these predictions have not been confirmed by published functional studies and their clinical significance is uncertain. This variant has not been reported in the literature in individuals with WDR35-related conditions. This variant is present in population databases (rs780584500, ExAC 0.02%). This sequence change replaces isoleucine with threonine at codon 418 of the WDR35 protein (p.Ile418Thr). The isoleucine residue is highly conserved and there is a moderate physicochemical difference between isoleucine and threonine. In summary, the available evidence is currently insufficient to determine the role of this variant in disease. Therefore, it has been classified as a Variant of Uncertain Significance.